The following is an entry in ClinVar:

ClinVar aggregate classification (germline): Pathogenic (1 of 4 stars; one submission).

Conditions:
Temtamy syndrome (TEMTYS). Also called: MENTAL RETARDATION WITH OR WITHOUT CRANIOFACIAL DYSMORPHISM, OCULAR COLOBOMA, OR ABNORMAL CORPUS CALLOSUM. Identifiers: Orphanet 1777, MedGen C1857512, MONDO:0009033, OMIM 218340.

gnomAD v4.1: 1 of 1,614,178 alleles (0.000062%); highest among the groups gnomAD compares: Admixed American, 0.0017%; no homozygotes.

Submission:

Labcorp Genetics (formerly Invitae), Labcorp
Classification: Pathogenic for Temtamy syndrome. Last evaluated: 2025-12-05. Review status: criteria provided, single submitter. Criteria: Invitae Variant Classification Sherloc (09022015). Collection method: clinical testing. Allele origin: germline.
Comment: This sequence change creates a premature translational stop signal (p.Lys49*) in the C12orf57 gene. It is expected to result in an absent or disrupted protein product. Loss-of-function variants in C12orf57 are known to be pathogenic (PMID: 23453665, 24798461). This variant is present in population databases (no rsID available, gnomAD 0.003%). This premature translational stop signal has been observed in individual(s) with Temtamy syndrome (PMID: 37451886). For these reasons, this variant has been classified as Pathogenic.

Literature cited by the submitters: PubMed 23453665; PubMed 24798461; PubMed 37451886.

NM_138425.4(C12orf57):c.145A>T (p.Lys49Ter)

Gene: C12orf57 (chromosome 12 open reading frame 57; plus strand). Cytogenetic location: 12p13.31.
Variant type: single nucleotide variant.
Coding change: c.145A>T on transcript NM_138425.4 (MANE Select); coding-DNA position 145, A replaced by T.
Protein change: p.Lys49Ter; replaces lysine 49 with a stop codon.
Molecular consequence: nonsense. On other transcripts: intron variant (1).
Genome position (GRCh38, 1-based): chr12:6,944,568, A>T. VCF-style: chr12-6944568-A-T. GRCh37 (hg19) VCF-style: chr12-7053731-A-T.
Other names: c.145A>T, p.Lys49Ter (NM_001301834.1); c.106A>T, p.Lys36Ter (NM_001301836.2); c.40A>T, p.Lys14Ter (NM_001301838.2); c.142+3A>T (NM_001301837.2); short protein forms K14*, K36*, K49*.
Identifiers: ClinVar variation 4808688 (VCV004808688.1).